The following is an entry in ClinVar:

NM_000334.4(SCN4A):c.415A>T (p.Ile139Phe)

Gene: SCN4A (sodium voltage-gated channel alpha subunit 4; minus strand). Cytogenetic location: 17q23.3.
Variant type: single nucleotide variant.
Coding change: c.415A>T on transcript NM_000334.4 (MANE Select); coding-DNA position 415, A replaced by T.
Protein change: p.Ile139Phe; replaces isoleucine 139 with phenylalanine.
Molecular consequence: missense variant.
Genome position (GRCh38, 1-based): chr17:63,972,203, T>A on the plus strand (A>T on the coding strand, the complement: SCN4A is on the minus strand). VCF-style: chr17-63972203-T-A. GRCh37 (hg19) VCF-style: chr17-62049563-T-A.
Other names: short protein forms I139F.
Identifiers: ClinVar variation 1028200 (VCV001028200.1), dbSNP rs1433506611, ClinGen allele CA400639686.
Genomic context (GRCh38, chr17:63,972,203, plus strand): 5'-TCTTGGACCAGGGAGGCGGGTCACTCATGGTCATGAATACGCAGTTGGTCAAGATGGTGA[T>A]CATGATGAACATGCTGAACAGCGTGGGGCAGGGTCAAGGAAAGTGAGGAAGCAGCTAGGA-3'
Protein context (NP_000325.4, residues 129-149): IHALFSMFIM[Ile139Phe]TILTNCVFMT

ClinVar aggregate classification (germline): Uncertain significance (1 of 4 stars; one submission).

Conditions:
Hyperkalemic periodic paralysis. Also called: Familial hyperkalemic periodic paralysis; Gamstorp disease. Identifiers: Orphanet 682, MedGen C0238357, MONDO:0008224, OMIM 170500, HP:0007215.

Allele frequency attached by ClinVar (database versions not stated): gnomAD exomes below 0.00001; TOPMed below 0.00001; gnomAD 0.00001.
gnomAD v4.1: 2 of 1,613,464 alleles (0.00012%); highest among the groups gnomAD compares: Non-Finnish European, 0.00017%; no homozygotes.

Submission:

Baylor Genetics
Classification: Uncertain significance for Hyperkalemic periodic paralysis. Last evaluated: 2019-03-27. Review status: criteria provided, single submitter. Criteria: ACMG Guidelines, 2015. Collection method: clinical testing. Allele origin: maternal. Affected: yes.
Comment: This variant was determined to be of uncertain significance according to ACMG Guidelines, 2015 [PMID:25741868].